The following is an entry in ClinVar:

ClinVar aggregate classification (germline): Uncertain significance (1 of 4 stars; one submission).

Submission:

Labcorp Genetics (formerly Invitae), Labcorp
Classification: Uncertain significance. Last evaluated: 2024-08-29. Review status: criteria provided, single submitter. Criteria: Invitae Variant Classification Sherloc (09022015). Collection method: clinical testing. Allele origin: germline.
Comment: This sequence change falls in intron 3 of the RHOBTB2 gene. It does not directly change the encoded amino acid sequence of the RHOBTB2 protein. It affects a nucleotide within the consensus splice site. This variant is not present in population databases (gnomAD no frequency). This variant has not been reported in the literature in individuals affected with RHOBTB2-related conditions. Variants that disrupt the consensus splice site are a relatively common cause of aberrant splicing (PMID: 17576681, 9536098). Algorithms developed to predict the effect of sequence changes on RNA splicing suggest that this variant may disrupt the consensus splice site. In summary, the available evidence is currently insufficient to determine the role of this variant in disease. Therefore, it has been classified as a Variant of Uncertain Significance.

Literature cited by the submitters: PubMed 17576681; PubMed 9536098.

NC_000008.11:g.22994643A>G

Genes: RHOBTB2 (Rho related BTB domain containing 2; plus strand), RHOBTB2-AS1 (RHOBTB2 antisense RNA 1; minus strand). Cytogenetic location: 8p21.3.
Variant type: single nucleotide variant.
Molecular consequence: intron variant (on NM_001160036.2).
Genome position: GRCh38 VCF-style: chr8-22994643-A-G. GRCh37 (hg19) VCF-style: chr8-22852156-A-G.
Other names: c.56+4A>G (NM_001160036.2).
Identifiers: ClinVar variation 3663904 (VCV003663904.2).